The following is an entry in ClinVar:

ClinVar aggregate classification (germline): Likely pathogenic. Review status: criteria provided, single submitter (1 of 4 stars). 2 submissions from 2 submitters: Likely pathogenic (1). 1 of the submissions does not count toward it. Last evaluated 2025-07-18.

Conditions:
Very long chain acyl-CoA dehydrogenase deficiency (ACADVLD). Also called: VLCAD Deficiency; Very Long-Chain Acyl-Coenzyme A Dehydrogenase Deficiency. Identifiers: Orphanet 26793, MedGen C3887523, MONDO:0008723, OMIM 201475.

Submissions (3):

Labcorp Genetics (formerly Invitae), Labcorp
Classification: Likely pathogenic for Very long chain acyl-CoA dehydrogenase deficiency. Last evaluated: 2025-07-18. Review status: criteria provided, single submitter. Criteria: Invitae Variant Classification Sherloc (09022015). Collection method: clinical testing. Allele origin: germline.
Comment: This sequence change affects an acceptor splice site in intron 16 of the ACADVL gene. It is expected to disrupt RNA splicing. Variants that disrupt the donor or acceptor splice site typically lead to a loss of protein function (PMID: 16199547), and loss-of-function variants in ACADVL are known to be pathogenic (PMID: 9973285, 11590124). This variant is not present in population databases (gnomAD no frequency). This variant has not been reported in the literature in individuals affected with ACADVL-related conditions. ClinVar contains an entry for this variant (Variation ID: 371586). Algorithms developed to predict the effect of sequence changes on RNA splicing suggest that this variant may disrupt the consensus splice site. In summary, the currently available evidence indicates that the variant is pathogenic, but additional data are needed to prove that conclusively. Therefore, this variant has been classified as Likely Pathogenic.

Counsyl
Classification: Likely pathogenic for Very long chain acyl-CoA dehydrogenase deficiency. Last evaluated: 2016-10-24. Review status: no assertion criteria provided. Collection method: clinical testing. Allele origin: unknown. Not counted in ClinVar's aggregate classification.

Dr. Peter K. Rogan Lab, Western University
No classification provided (evidence only). Condition: Cervical cancer. Review status: no classification provided. Collection method: in vitro. Allele origin: not applicable. Functional consequence: retained intron. Not counted in ClinVar's aggregate classification.

Literature cited by the submitters: PubMed 16199547 (cited by Labcorp Genetics (formerly Invitae), Labcorp); PubMed 9973285 (cited by Labcorp Genetics (formerly Invitae), Labcorp); PubMed 11590124 (cited by Labcorp Genetics (formerly Invitae), Labcorp).

NM_000018.4(ACADVL):c.1606-1G>A

Gene: ACADVL (acyl-CoA dehydrogenase very long chain; plus strand). Cytogenetic location: 17p13.1.
Variant type: single nucleotide variant.
Coding change: c.1606-1G>A on transcript NM_000018.4 (MANE Select); the canonical splice acceptor site of the intron before coding-DNA position 1606, G replaced by A.
Molecular consequence: splice acceptor variant.
Genome position (GRCh38, 1-based): chr17:7,224,479, G>A. VCF-style: chr17-7224479-G-A. GRCh37 (hg19) VCF-style: chr17-7127798-G-A.
Other names: NC_000017.10:g.7127798G>A; c.1675-1G>A (NM_001270447.2); c.1378-1G>A (NM_001270448.2); c.1540-1G>A (NM_001033859.3).
Identifiers: ClinVar variation 371586 (VCV000371586.5), dbSNP rs1057517386, ClinGen allele CA16041876.